The following is an entry in ClinVar:

NM_012398.3(PIP5K1C):c.921+5G>T

Gene: PIP5K1C (phosphatidylinositol-4-phosphate 5-kinase type 1 gamma; minus strand). Cytogenetic location: 19p13.3.
Variant type: single nucleotide variant.
Coding change: c.921+5G>T on transcript NM_012398.3 (MANE Select); 5 bases into the intron after coding-DNA position 921, G replaced by T.
Molecular consequence: intron variant.
Genome position (GRCh38, 1-based): chr19:3,653,285, C>A on the plus strand (G>T on the coding strand, the complement: PIP5K1C is on the minus strand). VCF-style: chr19-3653285-C-A. GRCh37 (hg19) VCF-style: chr19-3653283-C-A.
Other names: c.921+5G>T (NM_001195733.2, NM_001300849.2).
Identifiers: ClinVar variation 5003001 (VCV005003001.1).

ClinVar aggregate classification (germline): Uncertain significance (1 of 4 stars; one submission).

Submission:

OLLIN Analises Genomicas, OLLIN
Classification: Uncertain significance. Last evaluated: 2026-08-06. Review status: criteria provided, single submitter. Criteria: ACMG Guidelines 2015 PMID 25741868. Collection method: clinical testing. Allele origin: germline.
Comment: This variant is absent from gnomAD and ClinVar and has not been found in the scientific literature. According to the currently available evidence, this variant has been classified as uncertain significance (PM2_P, PP3).